The following is an entry in ClinVar:

ClinVar aggregate classification (germline): Uncertain significance (1 of 4 stars; one submission).

Conditions:
Neurofibromatosis, type 1 (NF1). Also called: VON RECKLINGHAUSEN DISEASE; NEUROFIBROMATOSIS, TYPE I, SOMATIC; Peripheral type neurofibromatosis; Neurofibromatosis, type I. Identifiers: Orphanet 636, MedGen C0027831, MONDO:0018975, OMIM 162200. Disease mechanism: loss of function.

Allele frequency attached by ClinVar (database versions not stated): gnomAD exomes below 0.00001.
gnomAD v4.1: 1 of 1,614,026 alleles (0.000062%); highest among the groups gnomAD compares: Non-Finnish European, 0.000085%; no homozygotes.

Submission:

Labcorp Genetics (formerly Invitae), Labcorp
Classification: Uncertain significance for Neurofibromatosis, type 1. Last evaluated: 2017-12-08. Review status: criteria provided, single submitter. Criteria: Invitae Variant Classification Sherloc (09022015). Collection method: clinical testing. Allele origin: germline.
Comment: This variant has not been reported in the literature in individuals with NF1-related disease. This variant is not present in population databases (ExAC no frequency). This sequence change replaces serine with proline at codon 2363 of the NF1 protein (p.Ser2363Pro). The serine residue is moderately conserved and there is a moderate physicochemical difference between serine and proline. In summary, the available evidence is currently insufficient to determine the role of this variant in disease. Therefore, it has been classified as a Variant of Uncertain Significance. Algorithms developed to predict the effect of missense changes on protein structure and function (SIFT, PolyPhen-2, Align-GVGD) all suggest that this variant is likely to be tolerated, but these predictions have not been confirmed by published functional studies and their clinical significance is uncertain.

NM_001042492.3(NF1):c.7150T>C (p.Ser2384Pro)

Gene: NF1 (neurofibromin 1; plus strand). Cytogenetic location: 17q11.2.
Variant type: single nucleotide variant.
Coding change: c.7150T>C on transcript NM_001042492.3 (MANE Select); coding-DNA position 7150, T replaced by C.
Protein change: p.Ser2384Pro; replaces serine 2384 with proline.
Molecular consequence: missense variant.
Genome position (GRCh38, 1-based): chr17:31,343,096, T>C. VCF-style: chr17-31343096-T-C. GRCh37 (hg19) VCF-style: chr17-29670114-T-C.
Other names: c.7087T>C, p.Ser2363Pro (NM_000267.4); short protein forms S2363P, S2384P.
Identifiers: ClinVar variation 527437 (VCV000527437.5), dbSNP rs1555535429, ClinGen allele CA399015701.